The following is an entry in ClinVar:

ClinVar aggregate classification (germline): Uncertain significance (1 of 4 stars; one submission).

Submission:

Labcorp Genetics (formerly Invitae), Labcorp
Classification: Uncertain significance. Last evaluated: 2022-08-19. Review status: criteria provided, single submitter. Criteria: Invitae Variant Classification Sherloc (09022015). Collection method: clinical testing. Allele origin: germline.
Comment: In summary, the available evidence is currently insufficient to determine the role of this variant in disease. Therefore, it has been classified as a Variant of Uncertain Significance. This sequence change replaces lysine, which is basic and polar, with asparagine, which is neutral and polar, at codon 803 of the DDX58 protein (p.Lys803Asn). This variant is not present in population databases (gnomAD no frequency). This variant has not been reported in the literature in individuals affected with DDX58-related conditions. Algorithms developed to predict the effect of missense changes on protein structure and function (SIFT, PolyPhen-2, Align-GVGD) all suggest that this variant is likely to be tolerated.

NM_014314.4(RIGI):c.2409G>T (p.Lys803Asn)

Genes: RIGI (RNA sensor RIG-I; minus strand), LOC101060445 (uncharacterized LOC101060445; plus strand). Cytogenetic location: 9p21.1.
Variant type: single nucleotide variant.
Coding change: c.2409G>T on transcript NM_014314.4 (MANE Select); coding-DNA position 2409, G replaced by T.
Protein change: p.Lys803Asn; replaces lysine 803 with asparagine.
Molecular consequence: missense variant.
Genome position (GRCh38, 1-based): chr9:32,459,443, C>A on the plus strand (G>T on the coding strand, the complement: RIGI is on the minus strand). VCF-style: chr9-32459443-C-A. GRCh37 (hg19) VCF-style: chr9-32459441-C-A.
Other names: c.2403G>T, p.Lys801Asn (NM_001385907.1); c.2238G>T, p.Lys746Asn (NM_001385909.1); c.1968G>T, p.Lys656Asn (NM_001385910.1); c.1800G>T, p.Lys600Asn (NM_001385912.1); c.2394G>T, p.Lys798Asn (NM_001385913.1); c.1965G>T, p.Lys655Asn (NM_001385914.1); short protein forms K798N, K600N, K746N, K803N, K655N, K656N, K801N.
Identifiers: ClinVar variation 2024829 (VCV002024829.4), dbSNP rs1323545545, ClinGen allele CA373144270.
Genomic context (GRCh38, chr9:32,459,443, plus strand): 5'-TACGTCAGCTGTGTAACATGCCAAGGCTTTGCACTTTCTGCAGAGCAGTTTTTTATTTTC[C>A]TTATCAGGTACAGGTTTTGGTTTTTCTTGACTATCTCTGATGAATTTTTCATGAGTCTGT-3'
Protein context (NP_055129.2, residues 793-813): SQEKPKPVPD[Lys803Asn]ENKKLLCRKC